The following is an entry in ClinVar:

NM_001378454.1(ALMS1):c.1402G>C (p.Val468Leu)

Gene: ALMS1 (ALMS1 centrosome and basal body associated protein; plus strand). Cytogenetic location: 2p13.1.
Variant type: single nucleotide variant.
Coding change: c.1402G>C on transcript NM_001378454.1 (MANE Select); coding-DNA position 1402, G replaced by C.
Protein change: p.Val468Leu; replaces valine 468 with leucine.
Molecular consequence: missense variant.
Genome position (GRCh38, 1-based): chr2:73,432,261, G>C. VCF-style: chr2-73432261-G-C. GRCh37 (hg19) VCF-style: chr2-73659389-G-C.
Other names: c.1405G>C, p.Val469Leu (NM_015120.4); short protein forms V468L, V469L.
Identifiers: ClinVar variation 1406552 (VCV001406552.4), dbSNP rs1409680993, ClinGen allele CA347262597.

ClinVar aggregate classification (germline): Conflicting classifications of pathogenicity. Review status: criteria provided, conflicting classifications (1 of 4 stars). 2 submissions from 2 submitters: Uncertain significance (1); Likely benign (1). Last evaluated 2023-11-21.

Conditions:
Cardiovascular phenotype. Identifiers: MedGen CN230736.
Alstrom syndrome (ALMS). Identifiers: Orphanet 64, MedGen C0268425, MONDO:0008763, OMIM 203800.

Allele frequency attached by ClinVar (database versions not stated): gnomAD 0.00001; gnomAD exomes 0.00002; TOPMed 0.00002.
gnomAD v4.1: 38 of 1,613,148 alleles (0.0024%); highest among the groups gnomAD compares: Admixed American, 0.0033%; no homozygotes.

Submissions (2):

Ambry Genetics
Classification: Likely benign for Cardiovascular phenotype. Last evaluated: 2023-11-21. Review status: criteria provided, single submitter. Criteria: Ambry Variant Classification Scheme 2023. Collection method: clinical testing. Allele origin: germline.

Labcorp Genetics (formerly Invitae), Labcorp
Classification: Uncertain significance for Alstrom syndrome. Last evaluated: 2022-07-04. Review status: criteria provided, single submitter. Criteria: Invitae Variant Classification Sherloc (09022015). Collection method: clinical testing. Allele origin: germline.
Comment: This sequence change replaces valine, which is neutral and non-polar, with leucine, which is neutral and non-polar, at codon 469 of the ALMS1 protein (p.Val469Leu). This variant is present in population databases (no rsID available, gnomAD 0.007%). This variant has not been reported in the literature in individuals affected with ALMS1-related conditions. ClinVar contains an entry for this variant (Variation ID: 1406552). Experimental studies and prediction algorithms are not available or were not evaluated, and the functional significance of this variant is currently unknown. In summary, the available evidence is currently insufficient to determine the role of this variant in disease. Therefore, it has been classified as a Variant of Uncertain Significance.